The following is an entry in ClinVar:

ClinVar aggregate classification (germline): Pathogenic/Likely pathogenic. Review status: criteria provided, multiple submitters, no conflicts (2 of 4 stars). 2 submissions from 2 submitters: Pathogenic (1); Likely pathogenic (1). Last evaluated 2025-12-29.

Conditions:
Peroxisome biogenesis disorder 2B (PBD2B). Identifiers: Orphanet 44, MedGen C3550234, MONDO:0008736, OMIM 202370.

Submissions (2):

Dasa
Classification: Likely pathogenic. Last evaluated: 2025-12-29. Review status: criteria provided, single submitter. Criteria: DASA Assertion Criteria. Collection method: clinical testing. Allele origin: germline.
Comment: NM_001351132.2(PEX5):c.670G>T (p.Glu224*) is a nonsense variant in PEX5 predicted to introduce a premature termination codon and is predicted to result in an absent or altered protein product. Loss of function is an established disease mechanism for PEX5-associated disorders. Also, this variant is rare in population databases. Based on the currently available evidence, this variant is classified as likely pathogenic.

Labcorp Genetics (formerly Invitae), Labcorp
Classification: Pathogenic for Peroxisome biogenesis disorder 2B. Last evaluated: 2023-10-07. Review status: criteria provided, single submitter. Criteria: Invitae Variant Classification Sherloc (09022015). Collection method: clinical testing. Allele origin: germline.
Comment: This sequence change creates a premature translational stop signal (p.Glu224*) in the PEX5 gene. It is expected to result in an absent or disrupted protein product. Loss-of-function variants in PEX5 are known to be pathogenic (PMID: 18712838, 21031596). This variant is not present in population databases (gnomAD no frequency). This variant has not been reported in the literature in individuals affected with PEX5-related conditions. Algorithms developed to predict the effect of sequence changes on RNA splicing suggest that this variant may disrupt the consensus splice site. For these reasons, this variant has been classified as Pathogenic.

Literature cited by the submitters: PubMed 18712838 (cited by Labcorp Genetics (formerly Invitae), Labcorp); PubMed 21031596 (cited by Labcorp Genetics (formerly Invitae), Labcorp).

NM_001351132.2(PEX5):c.670G>T (p.Glu224Ter)

Gene: PEX5 (peroxisomal biogenesis factor 5; plus strand). Cytogenetic location: 12p13.31.
Variant type: single nucleotide variant.
Coding change: c.670G>T on transcript NM_001351132.2 (MANE Select); coding-DNA position 670, G replaced by T.
Protein change: p.Glu224Ter; replaces glutamic acid 224 with a stop codon.
Molecular consequence: nonsense. On other transcripts: intron variant (15).
Genome position (GRCh38, 1-based): chr12:7,202,268, G>T. VCF-style: chr12-7202268-G-T. GRCh37 (hg19) VCF-style: chr12-7354864-G-T.
Other names: c.670G>T, p.Glu224Ter (NM_001351133.2, NM_001351134.2, NM_001351136.2 and 6 more transcripts); c.643-344G>T (NM_001351124.3, NM_001351126.2, NM_001374646.1 and 10 more transcripts); c.688-344G>T (NM_001351135.3, NM_001351138.2); c.715G>T, p.Glu239Ter (NM_001131023.2); short protein forms E239*, E224*.
Identifiers: ClinVar variation 2778472 (VCV002778472.5), dbSNP rs767347186, ClinGen allele CA383722421.